The following is an entry in ClinVar:

NM_003245.4(TGM3):c.1203G>A (p.Leu401=)

Gene: TGM3 (transglutaminase 3; plus strand). Cytogenetic location: 20p13.
Variant type: single nucleotide variant.
Coding change: c.1203G>A on transcript NM_003245.4 (MANE Select); coding-DNA position 1203, G replaced by A.
Protein change: p.Leu401=; no amino-acid change (leucine 401 retained).
Molecular consequence: synonymous variant.
Genome position (GRCh38, 1-based): chr20:2,328,235, G>A. VCF-style: chr20-2328235-G-A. GRCh37 (hg19) VCF-style: chr20-2308881-G-A.
Identifiers: ClinVar variation 3050123 (VCV003050123.2), dbSNP rs137939351, ClinGen allele CA9731111.

ClinVar aggregate classification (germline): Likely benign (0 of 4 stars; one submission).

Conditions:
TGM3-related disorder. Also called: TGM3-related condition.

Allele frequency attached by ClinVar (database versions not stated): gnomAD exomes 0.00008; TOPMed 0.00013; ExAC 0.00014; gnomAD 0.00016; ESP Exome Variant Server 0.00031.
gnomAD v4.1: 157 of 1,614,074 alleles (0.0097%); highest among the groups gnomAD compares: Admixed American, 0.0083%; no homozygotes.

Submission:

PreventionGenetics, part of Exact Sciences
Classification: Likely benign for TGM3-related condition. Last evaluated: 2019-07-15. Review status: no assertion criteria provided. Collection method: clinical testing. Allele origin: germline.
Comment: This variant is classified as likely benign based on ACMG/AMP sequence variant interpretation guidelines (Richards et al. 2015 PMID: 25741868, with internal and published modifications).